The following is an entry in ClinVar:

ClinVar aggregate classification (germline): Conflicting classifications of pathogenicity. Review status: criteria provided, conflicting classifications (1 of 4 stars). 18 submissions from 18 submitters: Uncertain significance (1); Benign (3); Likely benign (7). 7 of the submissions do not count toward it. Last evaluated 2026-09-01.

Conditions:
SPG11-related disorder. Also called: SPG11-related condition.
Inborn genetic diseases. Identifiers: MedGen C0950123, MeSH D030342.
Hereditary spastic paraplegia. Also called: Familial spastic paraparesis. Identifiers: Orphanet 685, MedGen C0037773, MONDO:0019064. Disease mechanism: loss of function.
Hereditary spastic paraplegia 11. Also called: Spastic Paraplegia 11; Spastic paraplegia, mental retardation and thin corpus callosum; SPASTIC PARAPLEGIA, AUTOSOMAL RECESSIVE, COMPLICATED, WITH THIN CORPUS CALLOSUM; SPASTIC PARAPLEGIA, AUTOSOMAL RECESSIVE, WITH MENTAL IMPAIRMENT AND THIN CORPUS CALLOSUM; Nakamura Osame syndrome; Autosomal recessive hereditary spastic paraplegia, mental impairment, and thin corpus callosum. Identifiers: Orphanet 2822, MedGen C1858479, MONDO:0011445, OMIM 604360.

Allele frequency attached by ClinVar (database versions not stated): 1000 Genomes Project 0.00180; gnomAD 0.00264 and 0.00270; TOPMed 0.00288; ESP Exome Variant Server 0.00362.

Submissions (18):

CeGaT Center for Human Genetics Tuebingen
Classification: Likely benign. Last evaluated: 2026-09-01. Review status: criteria provided, single submitter. Criteria: CeGaT Center For Human Genetics Tuebingen Variant Classification Criteria Version 2. Collection method: clinical testing. Allele origin: germline. Affected: yes. Observed: 51 variant alleles.
Comment: SPG11: BP4, BS2

Labcorp Genetics (formerly Invitae), Labcorp
Classification: Likely benign for Hereditary spastic paraplegia 11. Last evaluated: 2026-02-04. Review status: criteria provided, single submitter. Criteria: Invitae Variant Classification Sherloc (09022015). Collection method: clinical testing. Allele origin: germline.

Athena Diagnostics
Classification: Benign. Last evaluated: 2025-08-22. Review status: criteria provided, single submitter. Criteria: Athena Diagnostics Criteria. Collection method: clinical testing. Allele origin: unknown.
Comment: The frequency of this variant in the general population is higher than would generally be expected for pathogenic variants in this gene. Computational tools predict this amino acid change may be benign. This variant has been seen where an alternate explanation for disease was also identified.

Blueprint Genetics
Classification: Likely benign. Last evaluated: 2024-11-27. Review status: criteria provided, single submitter. Criteria: ACMG Guidelines, 2015. Collection method: clinical testing. Allele origin: germline.

Mayo Clinic Laboratories, Mayo Clinic
Classification: Benign. Last evaluated: 2024-09-17. Review status: criteria provided, single submitter. Criteria: ACMG Guidelines, 2015. Collection method: clinical testing. Allele origin: germline. Observed: 24 variant alleles.
Comment: BS1, BS2, BP4

Genome Diagnostics Laboratory, The Hospital for Sick Children
Classification: Likely benign for Hereditary spastic paraplegia. Last evaluated: 2022-01-17. Review status: criteria provided, single submitter. Criteria: ACMG Guidelines, 2015. Collection method: clinical testing. Allele origin: germline. Affected: yes.

Ambry Genetics
Classification: Likely benign for Inborn genetic diseases. Last evaluated: 2020-06-18. Review status: criteria provided, single submitter. Criteria: Ambry Variant Classification Scheme 2023. Collection method: clinical testing. Allele origin: germline.

Genetic Services Laboratory, University of Chicago
Classification: Likely benign. Last evaluated: 2019-07-16. Review status: criteria provided, single submitter. Criteria: ACMG Guidelines, 2015. Collection method: clinical testing. Allele origin: germline. Affected: no.

Illumina Laboratory Services, Illumina
Classification: Uncertain significance for Hereditary spastic paraplegia 11. Last evaluated: 2018-01-12. Review status: criteria provided, single submitter. Criteria: ICSL Variant Classification Criteria 13 December 2019. Collection method: clinical testing. Allele origin: germline.

Eurofins Ntd Llc (ga)
Classification: Likely benign. Last evaluated: 2017-06-19. Review status: criteria provided, single submitter. Criteria: EGL Classification Definitions 2015. Collection method: clinical testing. Allele origin: germline. Observed: 1 variant allele, 1 heterozygote.

GeneDx
Classification: Benign. Last evaluated: 2015-03-03. Review status: criteria provided, single submitter. Criteria: GeneDx Variant Classification Process June 2021. Collection method: clinical testing. Allele origin: germline. Affected: yes.
Comment: This variant is associated with the following publications: (PMID: 27066562)

PreventionGenetics, part of Exact Sciences
Classification: Likely benign for SPG11-related condition. Last evaluated: 2019-09-23. Review status: no assertion criteria provided. Collection method: clinical testing. Allele origin: germline. Not counted in ClinVar's aggregate classification.
Comment: This variant is classified as likely benign based on ACMG/AMP sequence variant interpretation guidelines (Richards et al. 2015 PMID: 25741868, with internal and published modifications).

Clinical Genetics DNA and cytogenetics Diagnostics Lab, Erasmus MC, Erasmus Medical Center
Classification: Likely benign. Review status: no assertion criteria provided. Collection method: clinical testing. Allele origin: germline. Affected: yes. Study: VKGL Data-share Consensus. Not counted in ClinVar's aggregate classification.

Clinical Genetics, Academic Medical Center
Classification: Likely benign. Review status: no assertion criteria provided. Collection method: clinical testing. Allele origin: germline. Affected: yes. Study: VKGL Data-share Consensus. Not counted in ClinVar's aggregate classification.

Diagnostic Laboratory, Department of Genetics, University Medical Center Groningen
Classification: Likely benign. Review status: no assertion criteria provided. Collection method: clinical testing. Allele origin: germline. Affected: yes. Study: VKGL Data-share Consensus. Not counted in ClinVar's aggregate classification.

Genome Diagnostics Laboratory, Amsterdam University Medical Center
Classification: Benign. Review status: no assertion criteria provided. Collection method: clinical testing. Allele origin: germline. Affected: yes. Study: VKGL Data-share Consensus. Not counted in ClinVar's aggregate classification.

Genome Diagnostics Laboratory, University Medical Center Utrecht
Classification: Benign. Review status: no assertion criteria provided. Collection method: clinical testing. Allele origin: germline. Affected: yes. Study: VKGL Data-share Consensus. Not counted in ClinVar's aggregate classification.

Joint Genome Diagnostic Labs from Nijmegen and Maastricht, Radboudumc and MUMC+
Classification: Benign. Review status: no assertion criteria provided. Collection method: clinical testing. Allele origin: germline. Affected: yes. Study: VKGL Data-share Consensus. Not counted in ClinVar's aggregate classification.

Literature cited by the submitters: PubMed 27066562 (cited by Athena Diagnostics); PubMed 24833714 (cited by Athena Diagnostics).

NM_025137.4(SPG11):c.6224A>G (p.Asn2075Ser)

Gene: SPG11 (SPG11 vesicle trafficking associated, spatacsin; minus strand). Cytogenetic location: 15q21.1.
Variant type: single nucleotide variant.
Coding change: c.6224A>G on transcript NM_025137.4 (MANE Select); coding-DNA position 6224, A replaced by G.
Protein change: p.Asn2075Ser; replaces asparagine 2075 with serine.
Molecular consequence: missense variant.
Genome position (GRCh38, 1-based): chr15:44,572,802, T>C on the plus strand (A>G on the coding strand, the complement: SPG11 is on the minus strand). VCF-style: chr15-44572802-T-C. GRCh37 (hg19) VCF-style: chr15-44865000-T-C.
Other names: p.Asn2075Ser; c.5885A>G, p.Asn1962Ser (NM_001160227.2); short protein forms N2075S, N1962S.
Identifiers: ClinVar variation 188231 (VCV000188231.80), dbSNP rs140824939, ClinGen allele CA208997.